The following is an entry in ClinVar:

NM_006445.4(PRPF8):c.2798G>A (p.Arg933His)

Gene: PRPF8 (pre-mRNA processing factor 8; minus strand). Cytogenetic location: 17p13.3.
Variant type: single nucleotide variant.
Coding change: c.2798G>A on transcript NM_006445.4 (MANE Select); coding-DNA position 2798, G replaced by A.
Protein change: p.Arg933His; replaces arginine 933 with histidine.
Molecular consequence: missense variant.
Genome position (GRCh38, 1-based): chr17:1,675,694, C>T on the plus strand (G>A on the coding strand, the complement: PRPF8 is on the minus strand). VCF-style: chr17-1675694-C-T. GRCh37 (hg19) VCF-style: chr17-1578988-C-T.
Other names: short protein forms R933H.
Identifiers: ClinVar variation 2105412 (VCV002105412.4), dbSNP rs1468603572, ClinGen allele CA397547869.
Genomic context (GRCh38, chr17:1,675,694, plus strand): 5'-TAAACAAGCAGCGGAGGTGGTTCTGTGTCTGCAGGCTTAATCCAGGGTGGGAACAGGCGG[C>T]GCTTGTCGGCTTCATACCACAGGTACTGGTCCAGGTAAGCATCAGTTATCTTCTCCAGGG-3'
Protein context (NP_006436.3, residues 923-943): DQYLWYEADK[Arg933His]RLFPPWIKPA

ClinVar aggregate classification (germline): Uncertain significance (1 of 4 stars; one submission).

Allele frequency attached by ClinVar (database versions not stated): TOPMed below 0.00001.

Submission:

Labcorp Genetics (formerly Invitae), Labcorp
Classification: Uncertain significance. Last evaluated: 2022-05-08. Review status: criteria provided, single submitter. Criteria: Invitae Variant Classification Sherloc (09022015). Collection method: clinical testing. Allele origin: germline.
Comment: In summary, the available evidence is currently insufficient to determine the role of this variant in disease. Therefore, it has been classified as a Variant of Uncertain Significance. Algorithms developed to predict the effect of missense changes on protein structure and function are either unavailable or do not agree on the potential impact of this missense change (SIFT: "Deleterious"; PolyPhen-2: "Possibly Damaging"; Align-GVGD: "Class C0"). This variant has not been reported in the literature in individuals affected with PRPF8-related conditions. This variant is not present in population databases (gnomAD no frequency). This sequence change replaces arginine, which is basic and polar, with histidine, which is basic and polar, at codon 933 of the PRPF8 protein (p.Arg933His).